The following is an entry in ClinVar:

NM_001363711.2(DUOX2):c.2880C>G (p.Ile960Met)

Gene: DUOX2 (dual oxidase 2; minus strand). Cytogenetic location: 15q21.1.
Variant type: single nucleotide variant.
Coding change: c.2880C>G on transcript NM_001363711.2 (MANE Select); coding-DNA position 2880, C replaced by G.
Protein change: p.Ile960Met; replaces isoleucine 960 with methionine.
Molecular consequence: missense variant.
Genome position (GRCh38, 1-based): chr15:45,101,246, G>C on the plus strand (C>G on the coding strand, the complement: DUOX2 is on the minus strand). VCF-style: chr15-45101246-G-C. GRCh37 (hg19) VCF-style: chr15-45393444-G-C.
Other names: c.2880C>G, p.Ile960Met (NM_014080.5); short protein forms I960M.
Identifiers: ClinVar variation 2106958 (VCV002106958.4), dbSNP rs2141145898, ClinGen allele CA392265360.

ClinVar aggregate classification (germline): Uncertain significance (1 of 4 stars; one submission).

Allele frequency attached by ClinVar (database versions not stated): gnomAD exomes below 0.00001.
gnomAD v4.1: 2 of 1,613,700 alleles (0.00012%); highest among the groups gnomAD compares: Non-Finnish European, 0.00017%; no homozygotes.

Submission:

Labcorp Genetics (formerly Invitae), Labcorp
Classification: Uncertain significance. Last evaluated: 2024-12-09. Review status: criteria provided, single submitter. Criteria: Invitae Variant Classification Sherloc (09022015). Collection method: clinical testing. Allele origin: germline.
Comment: This sequence change replaces isoleucine, which is neutral and non-polar, with methionine, which is neutral and non-polar, at codon 960 of the DUOX2 protein (p.Ile960Met). This variant is not present in population databases (gnomAD no frequency). This variant has not been reported in the literature in individuals affected with DUOX2-related conditions. ClinVar contains an entry for this variant (Variation ID: 2106958). Invitae Evidence Modeling of protein sequence and biophysical properties (such as structural, functional, and spatial information, amino acid conservation, physicochemical variation, residue mobility, and thermodynamic stability) indicates that this missense variant is not expected to disrupt DUOX2 protein function with a negative predictive value of 80%. In summary, the available evidence is currently insufficient to determine the role of this variant in disease. Therefore, it has been classified as a Variant of Uncertain Significance.